The following is an entry in ClinVar:

NM_005359.6(SMAD4):c.1045_1050del (p.Thr349_Val350del)

Gene: SMAD4 (SMAD family member 4; plus strand). Cytogenetic location: 18q21.2.
Variant type: Deletion.
Coding change: c.1045_1050del on transcript NM_005359.6 (MANE Select); coding-DNA positions 1045 to 1050, 6 bases deleted (ACTGTT; older notation c.1045_1050delACTGTT).
Protein change: p.Thr349_Val350del.
Molecular consequence: non-coding transcript variant (on NR_176264.1).
Genome position (GRCh38, 1-based): chr18:51,065,512-51,065,517, ACTGTT deleted; deleting any 6 consecutive bases within chr18:51,065,508-51,065,517 gives the same sequence; the c. name uses the placement nearest the transcript's 3' end. VCF-style (leftmost placement, unchanged base first): chr18-51065507-TTGTTAC-T. GRCh37 (hg19) VCF-style: chr18-48591877-TTGTTAC-T.
Other names: c.1045_1050del, p.Thr349_Val350del (NM_001407041.1, NM_001407042.1, NM_001407043.1).
Identifiers: ClinVar variation 5029712 (VCV005029712.1).
Genomic context (GRCh38, chr18:51,065,507, plus strand): 5'-CTTACTTTGAAATGGATGTTCAGGTAGGAGAGACATTTAAGGTTCCTTCAAGCTGCCCTA[TTGTTAC>T]TGTTGATGGATACGTGGACCCTTCTGGAGGAGATCGCTTTTGTTTGGGTCAACTCTCCAA-3'

ClinVar aggregate classification (germline): Uncertain significance (1 of 4 stars; one submission).

Conditions:
Familial thoracic aortic aneurysm and aortic dissection (TAAD). Also called: Thoracic aortic aneurysms and dissections. Identifiers: Orphanet 91387, MedGen C4707243, MONDO:0019625.
Hereditary cancer-predisposing syndrome. Also called: Neoplastic Syndromes, Hereditary; Tumor predisposition; Hereditary neoplastic syndrome; Hereditary Cancer Syndrome. Identifiers: Orphanet 140162, MedGen C0027672, MeSH D009386, MONDO:0015356.

Submission:

Ambry Genetics
Classification: Uncertain significance for Hereditary cancer-predisposing syndrome; Familial thoracic aortic aneurysm and aortic dissection. Last evaluated: 2026-06-15. Review status: criteria provided, single submitter. Criteria: Ambry Variant Classification Scheme 2023. Collection method: clinical testing. Allele origin: germline.
Comment: The c.1045_1050delACTGTT variant (also known as p.T349_V350del) is located in coding exon 8 of the SMAD4 gene. This variant results from an in-frame ACTGTT deletion at nucleotide positions 1045 to 1050. This results in the in-frame deletion of two amino acids at codons 349 and 350. This amino acid region is highly conserved in available vertebrate species. In addition, this variant is predicted to be deleterious by in silico analysis (Choi Y et al. PLoS ONE. 2012; 7(10):e46688). Based on the available evidence, the clinical significance of this variant remains unclear.